The following is an entry in ClinVar:

ClinVar aggregate classification (germline): Uncertain significance (1 of 4 stars; one submission).

Conditions:
Hematuria. Identifiers: MedGen C0018965, HP:0000790.

Submission:

Genetics Laboratory, Great Ormond Street Hospital NHS Foundation Trust, North Thames Genomic Laboratory Hub
Classification: Uncertain significance for Haematuria. Last evaluated: 2026-06-25. Review status: criteria provided, single submitter. Criteria: ACGS Best Practice Guidelines for Variant Classification in Rare Disease 2024 v1.2. Collection method: clinical testing. Allele origin: germline. Affected: yes.
Comment: PM2_moderate, PM4_supporting, PM3_moderate

NM_000092.5(COL4A4):c.4758_4760del (p.Pro1587del)

Gene: COL4A4 (collagen type IV alpha 4 chain; minus strand). Cytogenetic location: 2q36.3.
Variant type: Deletion.
Coding change: c.4758_4760del on transcript NM_000092.5 (MANE Select); coding-DNA positions 4758 to 4760, 3 bases deleted (CCC; older notation c.4758_4760delCCC).
Protein change: p.Pro1587del; deletes proline 1587.
Molecular consequence: inframe deletion.
Genome position (GRCh38, 1-based): chr2:227,008,067-227,008,069, GGG deleted on the plus strand (CCC on the coding strand, the reverse complement: COL4A4 is on the minus strand); deleting any 3 consecutive bases within chr2:227,008,067-227,008,072 gives the same sequence; the c. name uses the placement nearest the transcript's 3' end. VCF-style (leftmost placement, unchanged base first): chr2-227008066-TGGG-T. GRCh37 (hg19) VCF-style: chr2-227872782-TGGG-T.
Other names: short protein forms P1587del.
Identifiers: ClinVar variation 4886782 (VCV004886782.1).